The following is an entry in ClinVar:

NM_024513.4(FYCO1):c.4081G>A (p.Gly1361Arg)

Gene: FYCO1 (FYVE and coiled-coil domain autophagy adaptor 1; minus strand). Cytogenetic location: 3p21.31.
Variant type: single nucleotide variant.
Coding change: c.4081G>A on transcript NM_024513.4 (MANE Select); coding-DNA position 4081, G replaced by A.
Protein change: p.Gly1361Arg; replaces glycine 1361 with arginine.
Molecular consequence: missense variant.
Genome position (GRCh38, 1-based): chr3:45,931,241, C>T on the plus strand (G>A on the coding strand, the complement: FYCO1 is on the minus strand). VCF-style: chr3-45931241-C-T. GRCh37 (hg19) VCF-style: chr3-45972733-C-T.
Other names: c.4081G>A (NM_024513.2); short protein forms G1361R.
Identifiers: ClinVar variation 901270 (VCV000901270.10), dbSNP rs149020169, ClinGen allele CA2352391.

ClinVar aggregate classification (germline): Uncertain significance. Review status: criteria provided, multiple submitters, no conflicts (2 of 4 stars). 3 submissions from 3 submitters: Uncertain significance (3). Last evaluated 2024-07-10.

Conditions:
Inborn genetic diseases. Identifiers: MedGen C0950123, MeSH D030342.
Cataract 18 (CATC2). Also called: CATARACT 18, AUTOSOMAL RECESSIVE. Identifiers: Orphanet 91492, Orphanet 98991, Orphanet 98992, Orphanet 98995, MedGen C1864908, MONDO:0012395, OMIM 610019.

Allele frequency attached by ClinVar (database versions not stated): gnomAD 0.00003; gnomAD exomes 0.00003 and 0.00006; ExAC 0.00006; TOPMed 0.00002; 1000 Genomes Project 30x 0.00016; 1000 Genomes Project 0.00020.
gnomAD v4.1: 89 of 1,613,912 alleles (0.0055%); highest among the groups gnomAD compares: Non-Finnish European, 0.0069%; no homozygotes.

Submissions (3):

Labcorp Genetics (formerly Invitae), Labcorp
Classification: Uncertain significance for Cataract 18. Last evaluated: 2024-07-10. Review status: criteria provided, single submitter. Criteria: Invitae Variant Classification Sherloc (09022015). Collection method: clinical testing. Allele origin: germline.
Comment: This sequence change replaces glycine, which is neutral and non-polar, with arginine, which is basic and polar, at codon 1361 of the FYCO1 protein (p.Gly1361Arg). This variant is present in population databases (rs149020169, gnomAD 0.007%). This variant has not been reported in the literature in individuals affected with FYCO1-related conditions. ClinVar contains an entry for this variant (Variation ID: 901270). Advanced modeling of protein sequence and biophysical properties (such as structural, functional, and spatial information, amino acid conservation, physicochemical variation, residue mobility, and thermodynamic stability) performed at Invitae indicates that this missense variant is expected to disrupt FYCO1 protein function with a positive predictive value of 80%. In summary, the available evidence is currently insufficient to determine the role of this variant in disease. Therefore, it has been classified as a Variant of Uncertain Significance.

Ambry Genetics
Classification: Uncertain significance for Inborn genetic diseases. Last evaluated: 2022-01-07. Review status: criteria provided, single submitter. Criteria: Ambry Variant Classification Scheme 2023. Collection method: clinical testing. Allele origin: germline.

Illumina Laboratory Services, Illumina
Classification: Uncertain significance for Cataract 18. Last evaluated: 2018-01-13. Review status: criteria provided, single submitter. Criteria: ICSL Variant Classification Criteria 13 December 2019. Collection method: clinical testing. Allele origin: germline.